The following is an entry in ClinVar:

NM_000117.3(EMD):c.321G>T (p.Glu107Asp)

Gene: EMD (emerin; plus strand). Cytogenetic location: Xq28.
Variant type: single nucleotide variant.
Coding change: c.321G>T on transcript NM_000117.3 (MANE Select); coding-DNA position 321, G replaced by T.
Protein change: p.Glu107Asp; replaces glutamic acid 107 with aspartic acid.
Molecular consequence: missense variant.
Genome position (GRCh38, 1-based): chrX:154,380,289, G>T. VCF-style: chrX-154380289-G-T. GRCh37 (hg19) VCF-style: chrX-153608649-G-T.
Other names: short protein forms E107D.
Identifiers: ClinVar variation 2081204 (VCV002081204.6), dbSNP rs1452250882, ClinGen allele CA415257910.

ClinVar aggregate classification (germline): Uncertain significance. Review status: criteria provided, multiple submitters, no conflicts (2 of 4 stars). 2 submissions from 2 submitters: Uncertain significance (2). Last evaluated 2025-10-01.

Conditions:
X-linked Emery-Dreifuss muscular dystrophy. Also called: Muscular dystrophy, tardive Emery-Dreifuss type, with contractures. Identifiers: Orphanet 261, Orphanet 98863, MedGen C0751337, MONDO:0010680.
Emery-Dreifuss muscular dystrophy 1, X-linked (EDMD1). Also called: Muscular dystrophy, tardive, Dreifuss-Emery type, with contractures; SCAPULOPERONEAL SYNDROME, X-LINKED; HUMEROPERONEAL NEUROMUSCULAR DISEASE; EMD-Related Emery-Dreifuss Muscular Dystrophy, X-Linked. Identifiers: MedGen CN375556, MONDO:0100531, OMIM 310300.

Allele frequency attached by ClinVar (database versions not stated): TOPMed below 0.00001; gnomAD 0.00002; gnomAD exomes 0.00002.

Submissions (2):

Labcorp Genetics (formerly Invitae), Labcorp
Classification: Uncertain significance for X-linked Emery-Dreifuss muscular dystrophy. Last evaluated: 2025-10-01. Review status: criteria provided, single submitter. Criteria: Invitae Variant Classification Sherloc (09022015). Collection method: clinical testing. Allele origin: germline.
Comment: This sequence change replaces glutamic acid, which is acidic and polar, with aspartic acid, which is acidic and polar, at codon 107 of the EMD protein (p.Glu107Asp). This variant is present in population databases (no rsID available, gnomAD 0.005%), including at least one homozygous and/or hemizygous individual. This variant has not been reported in the literature in individuals affected with EMD-related conditions. ClinVar contains an entry for this variant (Variation ID: 2081204). Invitae Evidence Modeling of protein sequence and biophysical properties (such as structural, functional, and spatial information, amino acid conservation, physicochemical variation, residue mobility, and thermodynamic stability) indicates that this missense variant is not expected to disrupt EMD protein function with a negative predictive value of 80%. In summary, the available evidence is currently insufficient to determine the role of this variant in disease. Therefore, it has been classified as a Variant of Uncertain Significance.

Revvity Omics, Revvity
Classification: Uncertain significance for Emery-Dreifuss muscular dystrophy 1, X-linked. Last evaluated: 2022-11-14. Review status: criteria provided, single submitter. Criteria: ACMG Guidelines, 2015. Collection method: clinical testing. Allele origin: germline.